The following is an entry in ClinVar:

ClinVar aggregate classification (germline): Uncertain significance. Review status: criteria provided, multiple submitters, no conflicts (2 of 4 stars). 3 submissions from 3 submitters: Uncertain significance (3). Last evaluated 2024-03-07.

Conditions:
Familial hypercholesterolemia. Also called: Familial hypercholesterolemias; Familial hypercholesterolaemia. Identifiers: MedGen C0020445, MONDO:0005439.
Hypercholesterolemia, autosomal dominant, 3 (FHCL3). Also called: Familial hypercholesterolemia 3; Familial Hypercholesterolemia, Autosomal Dominant, 3; PCSK9-Related Familial Hypercholesterolemia, Autosomal Dominant. Identifiers: MedGen C1863551, MONDO:0011369, OMIM 603776.

Allele frequency attached by ClinVar (database versions not stated): gnomAD exomes below 0.00001.

Submissions (3):

Color Diagnostics, LLC DBA Color Health
Classification: Uncertain significance for Familial hypercholesterolemia. Last evaluated: 2024-03-07. Review status: criteria provided, single submitter. Criteria: ACMG Guidelines, 2015. Collection method: clinical testing. Allele origin: germline.
Comment: This missense variant replaces leucine with arginine at codon 112 of the PCSK9 protein. Computational prediction is inconclusive regarding the impact of this variant on protein structure and function (internally defined REVEL score threshold 0.5 < inconclusive < 0.7, PMID: 27666373). Splice site prediction tools suggest that this variant may not impact RNA splicing. To our knowledge, functional studies have not been performed for this variant. This variant has not been reported in individuals affected with familial hypercholesterolemia in the literature. This variant has been identified in 1/251426 chromosomes in the general population by the Genome Aggregation Database (gnomAD). The available evidence is insufficient to determine the role of this variant in disease conclusively. Therefore, this variant is classified as a Variant of Uncertain Significance.

All of Us Research Program, National Institutes of Health
Classification: Uncertain significance for Hypercholesterolemia, autosomal dominant, 3. Last evaluated: 2023-08-14. Review status: criteria provided, single submitter. Criteria: ACMG Guidelines, 2015. Collection method: clinical testing. Allele origin: germline. Inheritance: Autosomal dominant inheritance. Observed: 1 variant allele, 1 heterozygote.
Comment: This missense variant replaces leucine with arginine at codon 112 of the PCSK9 protein. Computational prediction is inconclusive regarding the impact of this variant on protein structure and function (internally defined REVEL score threshold 0.5 < inconclusive < 0.7, PMID: 27666373). Splice site prediction tools suggest that this variant may not impact RNA splicing. To our knowledge, functional studies have not been performed for this variant. This variant has not been reported in individuals affected with familial hypercholesterolemia in the literature. This variant has been identified in 1/251426 chromosomes in the general population by the Genome Aggregation Database (gnomAD). The available evidence is insufficient to determine the role of this variant in disease conclusively. Therefore, this variant is classified as a Variant of Uncertain Significance.

This study involves interpretation of variants in research participants for the purpose of population health screening. Participant phenotype was not available at the time of variant classification. Additional details can be found in publication PMID: 35346344, PMCID: PMC8962531

Labcorp Genetics (formerly Invitae), Labcorp
Classification: Uncertain significance for Hypercholesterolemia, autosomal dominant, 3. Last evaluated: 2022-10-19. Review status: criteria provided, single submitter. Criteria: Invitae Variant Classification Sherloc (09022015). Collection method: clinical testing. Allele origin: germline.
Comment: This sequence change replaces leucine, which is neutral and non-polar, with arginine, which is basic and polar, at codon 112 of the PCSK9 protein (p.Leu112Arg). This variant is present in population databases (no rsID available, gnomAD 0.007%). This variant has not been reported in the literature in individuals affected with PCSK9-related conditions. ClinVar contains an entry for this variant (Variation ID: 924709). Advanced modeling of protein sequence and biophysical properties (such as structural, functional, and spatial information, amino acid conservation, physicochemical variation, residue mobility, and thermodynamic stability) performed at Invitae indicates that this missense variant is not expected to disrupt PCSK9 protein function. In summary, the available evidence is currently insufficient to determine the role of this variant in disease. Therefore, it has been classified as a Variant of Uncertain Significance.

NM_174936.4(PCSK9):c.335T>G (p.Leu112Arg)

Gene: PCSK9 (proprotein convertase subtilisin/kexin type 9; plus strand). Cytogenetic location: 1p32.3.
Variant type: single nucleotide variant.
Coding change: c.335T>G on transcript NM_174936.4 (MANE Select); coding-DNA position 335, T replaced by G.
Protein change: p.Leu112Arg; replaces leucine 112 with arginine.
Molecular consequence: missense variant.
Genome position (GRCh38, 1-based): chr1:55,043,970, T>G. VCF-style: chr1-55043970-T-G. GRCh37 (hg19) VCF-style: chr1-55509643-T-G.
Other names: short protein forms L112R.
Identifiers: ClinVar variation 924709 (VCV000924709.10), dbSNP rs1021372164, ClinGen allele CA340483758.